The following is an entry in ClinVar:

ClinVar aggregate classification (germline): Likely pathogenic (1 of 4 stars; one submission).

Conditions:
Ataxia-telangiectasia syndrome (AT). Also called: Ataxia-telangiectasia, complementation group D; AT, COMPLEMENTATION GROUP C; Cerebello-oculocutaneous telangiectasia; Immunodeficiency with ataxia telangiectasia; Ataxia-telangiectasia, complementation group E; LOUIS-BAR SYNDROME. Identifiers: Orphanet 100, MedGen C0004135, MONDO:0008840, OMIM 208900.

Submission:

Labcorp Genetics (formerly Invitae), Labcorp
Classification: Likely pathogenic for Ataxia-telangiectasia syndrome. Last evaluated: 2022-09-18. Review status: criteria provided, single submitter. Criteria: Invitae Variant Classification Sherloc (09022015). Collection method: clinical testing. Allele origin: germline.
Comment: In summary, the currently available evidence indicates that the variant is pathogenic, but additional data are needed to prove that conclusively. Therefore, this variant has been classified as Likely Pathogenic. This variant is not present in population databases (gnomAD no frequency). This sequence change affects a splice site in intron 28 of the ATM gene. It is expected to disrupt RNA splicing. Variants that disrupt the donor or acceptor splice site typically lead to a loss of protein function (PMID: 16199547), and loss-of-function variants in ATM are known to be pathogenic (PMID: 23807571, 25614872). This variant has not been reported in the literature in individuals affected with ATM-related conditions. ClinVar contains an entry for this variant (Variation ID: 1470396). Algorithms developed to predict the effect of sequence changes on RNA splicing suggest that this variant may disrupt the consensus splice site.

Literature cited by the submitters: PubMed 16199547; PubMed 23807571; PubMed 25614872.

NM_000051.4(ATM):c.4236+1del

Gene: ATM (ATM serine/threonine kinase; plus strand). Cytogenetic location: 11q22.3.
Variant type: Deletion.
Coding change: c.4236+1del on transcript NM_000051.4 (MANE Select); the canonical splice donor site of the intron after coding-DNA position 4236, one base deleted (G; older notation c.4236+1delG).
Molecular consequence: splice donor variant.
Genome position (GRCh38, 1-based): chr11:108,289,104, G deleted. VCF-style (leftmost placement, unchanged base first): chr11-108289103-TG-T. GRCh37 (hg19) VCF-style: chr11-108159830-TG-T.
Other names: c.4236+1del (NM_001351834.2).
Identifiers: ClinVar variation 1470396 (VCV001470396.10), dbSNP rs2135753984, ClinGen allele CA2573146553.
Genomic context (GRCh38, chr11:108,289,103, plus strand): 5'-TATCAGCAATTGTCATAAAACCAAGTTAAAAAGCATTTTAGAAATTCTTTCCAAAAGCCC[TG>T]TAAGTATACATGATGAGTTTAATAATAGAACATTCCTTCTTTTTTAGCTAAAAAAACTTT-3'